The following is an entry in ClinVar:

ClinVar aggregate classification (germline): Conflicting classifications of pathogenicity. Review status: criteria provided, conflicting classifications (1 of 4 stars). 6 submissions from 6 submitters: Uncertain significance (2); Likely benign (3). 1 of the submissions does not count toward it. Last evaluated 2026-01-07.

Conditions:
PLEC-related disorder. Also called: PLEC-related condition; PLEC-related disorders.
Autosomal recessive limb-girdle muscular dystrophy type 2Q (LGMDR17). Also called: MUSCULAR DYSTROPHY, LIMB-GIRDLE, AUTOSOMAL RECESSIVE 17. Identifiers: Orphanet 254361, MedGen C3150989, MONDO:0013390, OMIM 613723.
Epidermolysis bullosa simplex 5B, with muscular dystrophy (EBS5B). Also called: EPIDERMOLYSIS BULLOSA SIMPLEX AND LIMB-GIRDLE MUSCULAR DYSTROPHY; Epidermolysis bullosa simplex with muscular dystrophy. Identifiers: Orphanet 257, MedGen C2931072, MONDO:0009181, OMIM 226670.
Epidermolysis bullosa simplex with nail dystrophy (EBS5D). Identifiers: MedGen C4225309, MONDO:0014661, OMIM 616487.
Epidermolysis bullosa simplex 5C, with pyloric atresia (EBS5C). Also called: PLEC-Related Epidermolysis Bullosa with Pyloric Atresia; PLEC1-Related Epidermolysis Bullosa with Pyloric Atresia; Epidermolysis bullosa simplex with pyloric atresia. Identifiers: Orphanet 158684, MedGen C2677349, MONDO:0012807, OMIM 612138.
Epidermolysis bullosa simplex, Ogna type (EBS5A). Also called: Pidermolysis bullosa simplex 5A, Ogna type; EPIDERMOLYSIS BULLOSA SIMPLEX 5A, OGNA TYPE. Identifiers: Orphanet 79401, MedGen C0432317, MONDO:0007555, OMIM 131950.

Allele frequency attached by ClinVar (database versions not stated): TOPMed 0.00005; gnomAD 0.00013; 1000 Genomes Project 30x 0.00031.
gnomAD v4.1: 207 of 1,587,364 alleles (0.013%); highest among the groups gnomAD compares: Non-Finnish European, 0.017%; no homozygotes.

Submissions (6):

Labcorp Genetics (formerly Invitae), Labcorp
Classification: Likely benign for Autosomal recessive limb-girdle muscular dystrophy type 2Q; Epidermolysis bullosa simplex, Ogna type; Epidermolysis bullosa simplex with nail dystrophy; Epidermolysis bullosa simplex 5C, with pyloric atresia; Epidermolysis bullosa simplex 5B, with muscular dystrophy. Last evaluated: 2026-01-07. Review status: criteria provided, single submitter. Criteria: Invitae Variant Classification Sherloc (09022015). Collection method: clinical testing. Allele origin: germline.

Blueprint Genetics
Classification: Likely benign. Last evaluated: 2024-02-22. Review status: criteria provided, single submitter. Criteria: ACMG Guidelines, 2015. Collection method: clinical testing. Allele origin: germline.

Revvity Omics, Revvity
Classification: Uncertain significance. Last evaluated: 2020-08-31. Review status: criteria provided, single submitter. Criteria: ACMG Guidelines, 2015. Collection method: clinical testing. Allele origin: germline.

GeneDx
Classification: Likely benign. Last evaluated: 2016-10-17. Review status: criteria provided, single submitter. Criteria: GeneDx Variant Classification (06012015). Collection method: clinical testing. Allele origin: germline. Affected: yes.
Comment: This variant is considered likely benign or benign based on one or more of the following criteria: it is a conservative change, it occurs at a poorly conserved position in the protein, it is predicted to be benign by multiple in silico algorithms, and/or has population frequency not consistent with disease.

Eurofins Ntd Llc (ga)
Classification: Uncertain significance. Last evaluated: 2016-02-09. Review status: criteria provided, single submitter. Criteria: EGL Classification Definitions 2015. Collection method: clinical testing. Allele origin: germline. Observed: 3 variant alleles, 3 heterozygotes.

PreventionGenetics, part of Exact Sciences
Classification: Likely benign for PLEC-related condition. Last evaluated: 2022-01-18. Review status: no assertion criteria provided. Collection method: clinical testing. Allele origin: germline. Not counted in ClinVar's aggregate classification.
Comment: This variant is classified as likely benign based on ACMG/AMP sequence variant interpretation guidelines (Richards et al. 2015 PMID: 25741868, with internal and published modifications).

NM_201384.3(PLEC):c.6096G>C (p.Ser2032=)

Gene: PLEC (plectin; minus strand). Cytogenetic location: 8q24.3.
Variant type: single nucleotide variant.
Coding change: c.6096G>C on transcript NM_201384.3 (MANE Select); coding-DNA position 6096, G replaced by C.
Protein change: p.Ser2032=; no amino-acid change (serine 2032 retained).
Molecular consequence: synonymous variant.
Genome position (GRCh38, 1-based): chr8:143,923,833, C>G on the plus strand (G>C on the coding strand, the complement: PLEC is on the minus strand). VCF-style: chr8-143923833-C-G. GRCh37 (hg19) VCF-style: chr8-144998001-C-G.
Other names: c.6177G>C, p.Ser2059= (NM_000445.5); c.6054G>C, p.Ser2018= (NM_201378.4); c.6030G>C, p.Ser2010= (NM_201379.3); c.6507G>C, p.Ser2169= (NM_201380.4); c.6000G>C, p.Ser2000= (NM_201381.3); c.6096G>C, p.Ser2032= (NM_201382.4); c.6108G>C, p.Ser2036= (NM_201383.3).
Identifiers: ClinVar variation 283877 (VCV000283877.20), dbSNP rs564245730, ClinGen allele CA4926111.